The following is an entry in ClinVar:

ClinVar aggregate classification (germline): Conflicting classifications of pathogenicity. Review status: criteria provided, conflicting classifications (1 of 4 stars). 3 submissions from 3 submitters: Likely pathogenic (2); Uncertain significance (1). Last evaluated 2024-11-15.

Conditions:
Charcot-Marie-Tooth disease type 2I (CMT2I). Also called: CHARCOT-MARIE-TOOTH DISEASE, AXONAL, TYPE 2I. Identifiers: Orphanet 99942, MedGen C3888087, MONDO:0011889, OMIM 607677.
Charcot-Marie-Tooth disease, type I (CMT1). Also called: Charcot-Marie-Tooth disease type 1; Charcot-Marie-Tooth, Type 1. Identifiers: Orphanet 65753, MedGen C0751036, MONDO:0019011.

Submissions (3):

Athena Diagnostics
Classification: Likely pathogenic. Last evaluated: 2024-11-15. Review status: criteria provided, single submitter. Criteria: Athena Diagnostics Criteria. Collection method: clinical testing. Allele origin: unknown.
Comment: This variant has not been reported in large, multi-ethnic general populations. This variant has been identified in at least one individual with clinical features associated with this gene. Polyphen and MutationTaster yielded discordant predictions regarding whether this amino acid change is damaging to the protein. The variant is located in a region that is considered important for protein function and/or structure.

Labcorp Genetics (formerly Invitae), Labcorp
Classification: Uncertain significance for Charcot-Marie-Tooth disease, type I. Last evaluated: 2022-03-15. Review status: criteria provided, single submitter. Criteria: Invitae Variant Classification Sherloc (09022015). Collection method: clinical testing. Allele origin: germline.
Comment: This variant disrupts the p.Asn122 amino acid residue in MPZ. Other variant(s) that disrupt this residue have been observed in individuals with MPZ-related conditions (PMID: 8844219), which suggests that this may be a clinically significant amino acid residue. This sequence change replaces asparagine, which is neutral and polar, with aspartic acid, which is acidic and polar, at codon 122 of the MPZ protein (p.Asn122Asp). This variant is not present in population databases (gnomAD no frequency). This missense change has been observed in individuals with Charcot-Marie-Tooth disease (PMID: 33179255). ClinVar contains an entry for this variant (Variation ID: 1014376). Algorithms developed to predict the effect of missense changes on protein structure and function are either unavailable or do not agree on the potential impact of this missense change (SIFT: "Deleterious"; PolyPhen-2: "Benign"; Align-GVGD: "Class C15"). In summary, the available evidence is currently insufficient to determine the role of this variant in disease. Therefore, it has been classified as a Variant of Uncertain Significance.

Clinical Genetics Service, Universitary Hospital 12 de Octubre
Classification: Likely pathogenic for Charcot-Marie-Tooth disease type 2I. Review status: criteria provided, single submitter. Criteria: ACMG Guidelines, 2015. Collection method: clinical testing. Allele origin: maternal. Affected: yes.

Literature cited by the submitters: PubMed 33179255 (cited by Athena Diagnostics and Labcorp Genetics (formerly Invitae), Labcorp); PubMed 8844219 (cited by Labcorp Genetics (formerly Invitae), Labcorp).

NM_000530.8(MPZ):c.364A>G (p.Asn122Asp)

Gene: MPZ (myelin protein zero; minus strand). Cytogenetic location: 1q23.3.
Variant type: single nucleotide variant.
Coding change: c.364A>G on transcript NM_000530.8 (MANE Select); coding-DNA position 364, A replaced by G.
Protein change: p.Asn122Asp; replaces asparagine 122 with aspartic acid.
Molecular consequence: missense variant.
Genome position (GRCh38, 1-based): chr1:161,306,792, T>C on the plus strand (A>G on the coding strand, the complement: MPZ is on the minus strand). VCF-style: chr1-161306792-T-C. GRCh37 (hg19) VCF-style: chr1-161276582-T-C.
Other names: c.364A>G, p.Asn122Asp (NM_001315491.2); c.364A>G (NM_000530.6); short protein forms N122D.
Identifiers: ClinVar variation 1014376 (VCV001014376.12), dbSNP rs1670263376, ClinGen allele CA343349045.